The following is an entry in ClinVar:

NM_001429.4(EP300):c.3789G>C (p.Glu1263Asp)

Gene: EP300 (EP300 lysine acetyltransferase; plus strand). Cytogenetic location: 22q13.2.
Variant type: single nucleotide variant.
Coding change: c.3789G>C on transcript NM_001429.4 (MANE Select); coding-DNA position 3789, G replaced by C.
Protein change: p.Glu1263Asp; replaces glutamic acid 1263 with aspartic acid.
Molecular consequence: missense variant.
Genome position (GRCh38, 1-based): chr22:41,164,113, G>C. VCF-style: chr22-41164113-G-C. GRCh37 (hg19) VCF-style: chr22-41560117-G-C.
Other names: c.3711G>C, p.Glu1237Asp (NM_001362843.2); short protein forms E1237D, E1263D.
Identifiers: ClinVar variation 4534431 (VCV004534431.6).

ClinVar aggregate classification (germline): Uncertain significance (1 of 4 stars; one submission).

Submission:

CeGaT Center for Human Genetics Tuebingen
Classification: Uncertain significance. Last evaluated: 2025-11-01. Review status: criteria provided, single submitter. Criteria: CeGaT Center For Human Genetics Tuebingen Variant Classification Criteria Version 2. Collection method: clinical testing. Allele origin: germline. Affected: yes. Observed: 1 variant allele.
Comment: EP300: PM2